The following is an entry in ClinVar:

ClinVar aggregate classification (germline): Uncertain significance. Review status: criteria provided, multiple submitters, no conflicts (2 of 4 stars). 2 submissions from 2 submitters: Uncertain significance (2). Last evaluated 2025-11-03.

Conditions:
Inborn genetic diseases. Identifiers: MedGen C0950123, MeSH D030342.

Allele frequency attached by ClinVar (database versions not stated): gnomAD exomes 0.00003; TOPMed 0.00013; gnomAD 0.00018 and 0.00019; 1000 Genomes Project 0.00040; ExAC 0.00002; 1000 Genomes Project 30x 0.00031; ESP Exome Variant Server 0.00008.
gnomAD v4.1: 43 of 1,614,160 alleles (0.0027%); highest among the groups gnomAD compares: African/African-American, 0.056%; no homozygotes.

Submissions (2):

Ambry Genetics
Classification: Uncertain significance for Inborn genetic diseases. Last evaluated: 2025-11-03. Review status: criteria provided, single submitter. Criteria: Ambry Variant Classification Scheme 2023. Collection method: clinical testing. Allele origin: germline.

Labcorp Genetics (formerly Invitae), Labcorp
Classification: Uncertain significance. Last evaluated: 2022-05-20. Review status: criteria provided, single submitter. Criteria: Invitae Variant Classification Sherloc (09022015). Collection method: clinical testing. Allele origin: germline.
Comment: This sequence change replaces serine, which is neutral and polar, with threonine, which is neutral and polar, at codon 117 of the MCM3AP protein (p.Ser117Thr). This variant is present in population databases (rs35072844, gnomAD 0.05%). This variant has not been reported in the literature in individuals affected with MCM3AP-related conditions. Algorithms developed to predict the effect of missense changes on protein structure and function (SIFT, PolyPhen-2, Align-GVGD) all suggest that this variant is likely to be tolerated. In summary, the available evidence is currently insufficient to determine the role of this variant in disease. Therefore, it has been classified as a Variant of Uncertain Significance.

NM_003906.5(MCM3AP):c.350G>C (p.Ser117Thr)

Gene: MCM3AP (minichromosome maintenance complex component 3 associated protein; minus strand). Cytogenetic location: 21q22.3.
Variant type: single nucleotide variant.
Coding change: c.350G>C on transcript NM_003906.5 (MANE Select); coding-DNA position 350, G replaced by C.
Protein change: p.Ser117Thr; replaces serine 117 with threonine.
Molecular consequence: missense variant.
Genome position (GRCh38, 1-based): chr21:46,284,937, C>G on the plus strand (G>C on the coding strand, the complement: MCM3AP is on the minus strand). VCF-style: chr21-46284937-C-G. GRCh37 (hg19) VCF-style: chr21-47704851-C-G.
Other names: c.350G>C (NM_003906.3); short protein forms S117T.
Identifiers: ClinVar variation 1494265 (VCV001494265.8), dbSNP rs35072844, ClinGen allele CA10077365.